The following is an entry in ClinVar:

NM_052947.4(ALPK2):c.2548T>A (p.Ser850Thr)

Gene: ALPK2 (alpha kinase 2; minus strand). Cytogenetic location: 18q21.31.
Variant type: single nucleotide variant.
Coding change: c.2548T>A on transcript NM_052947.4 (MANE Select); coding-DNA position 2548, T replaced by A.
Protein change: p.Ser850Thr; replaces serine 850 with threonine.
Molecular consequence: missense variant.
Genome position (GRCh38, 1-based): chr18:58,537,639, A>T on the plus strand (T>A on the coding strand, the complement: ALPK2 is on the minus strand). VCF-style: chr18-58537639-A-T. GRCh37 (hg19) VCF-style: chr18-56204871-A-T.
Other names: short protein forms S850T.
Identifiers: ClinVar variation 1792906 (VCV001792906.2), dbSNP rs754469314, ClinGen allele CA402570293.

ClinVar aggregate classification (germline): Uncertain significance (1 of 4 stars; one submission).

Submission:

Ambry Genetics
Classification: Uncertain significance. Last evaluated: 2021-07-14. Review status: criteria provided, single submitter. Criteria: Ambry Variant Classification Scheme 2023. Collection method: clinical testing. Allele origin: germline.
Comment: The p.S850T variant (also known as c.2548T>A), located in coding exon 4 of the ALPK2 gene, results from a T to A substitution at nucleotide position 2548. The serine at codon 850 is replaced by threonine, an amino acid with similar properties. This amino acid position is conserved. In addition, this alteration is predicted to be tolerated by in silico analysis. Since supporting evidence is limited at this time, the clinical significance of this alteration remains unclear.